The following is an entry in ClinVar:

ClinVar aggregate classification (germline): Uncertain significance (1 of 4 stars; one submission).

Submission:

Labcorp Genetics (formerly Invitae), Labcorp
Classification: Uncertain significance. Last evaluated: 2024-10-15. Review status: criteria provided, single submitter. Criteria: Invitae Variant Classification Sherloc (09022015). Collection method: clinical testing. Allele origin: germline.
Comment: This sequence change replaces histidine, which is basic and polar, with aspartic acid, which is acidic and polar, at codon 284 of the CDC45 protein (p.His284Asp). This variant is not present in population databases (gnomAD no frequency). This variant has not been reported in the literature in individuals affected with CDC45-related conditions. An algorithm developed to predict the effect of missense changes on protein structure and function (PolyPhen-2) suggests that this variant is likely to be disruptive. In summary, the available evidence is currently insufficient to determine the role of this variant in disease. Therefore, it has been classified as a Variant of Uncertain Significance.

NM_003504.5(CDC45):c.754C>G (p.His252Asp)

Gene: CDC45 (cell division cycle 45; plus strand). Cytogenetic location: 22q11.21.
Variant type: single nucleotide variant.
Coding change: c.754C>G on transcript NM_003504.5 (MANE Select); coding-DNA position 754, C replaced by G.
Protein change: p.His252Asp; replaces histidine 252 with aspartic acid.
Molecular consequence: missense variant. On other transcripts: non-coding transcript variant (1).
Genome position (GRCh38, 1-based): chr22:19,505,411, C>G. VCF-style: chr22-19505411-C-G. GRCh37 (hg19) VCF-style: chr22-19492934-C-G.
Other names: c.850C>G, p.His284Asp (NM_001178010.2); c.616C>G, p.His206Asp (NM_001178011.2); c.718C>G, p.His240Asp (NM_001369291.1); short protein forms H240D, H252D, H284D, H206D.
Identifiers: ClinVar variation 2801992 (VCV002801992.3), dbSNP rs2517645384, ClinGen allele CA410666098.
Genomic context (GRCh38, chr22:19,505,411, plus strand): 5'-TTTTTTTCCAGAATGAAATACGTGACTGATGTTGGTGTCCTGCAGCGCCACGTTTCCCGC[C>G]ACAACCACCGGAACGAGGATGAGGAGAACACACTCTCCGTGGACTGCACACGGATCTCCT-3'
Protein context (NP_003495.1, residues 242-262): VGVLQRHVSR[His252Asp]NHRNEDEENT